The following is an entry in ClinVar:

NM_206933.4(USH2A):c.956del (p.Cys319fs)

Gene: USH2A (usherin; minus strand). Cytogenetic location: 1q41.
Variant type: Deletion.
Coding change: c.956del on transcript NM_206933.4 (MANE Select); coding-DNA position 956, one base deleted (G; older notation c.956delG).
Protein change: p.Cys319fs; shifts the reading frame from cysteine 319.
Molecular consequence: frameshift variant.
Genome position (GRCh38, 1-based): chr1:216,325,492, C deleted on the plus strand (G on the coding strand, the reverse complement: USH2A is on the minus strand). VCF-style (leftmost placement, unchanged base first): chr1-216325491-GC-G. GRCh37 (hg19) VCF-style: chr1-216498833-GC-G.
Other names: c.956del, p.Cys319fs (NM_007123.6); short protein forms C319fs.
Identifiers: ClinVar variation 1724686 (VCV001724686.2), dbSNP rs2527440288, ClinGen allele CA2580062230.
Genomic context (GRCh38, chr1:216,325,491, plus strand): 5'-GGCTTCAGGATTCAACCGTGACACTCTATTATCAGCTGTGTCTCCTGCATCATTAGGAAT[GC>G]AGTACCGCTGTGCCAAAGGGTGGACCCGCGGGTGGCTGCCAGGGCAACGGCAATGTGATT-3'

ClinVar aggregate classification (germline): Likely pathogenic (1 of 4 stars; one submission).

Conditions:
Usher syndrome type 2A. Also called: RETINAL DISEASE IN USHER SYNDROME TYPE IIA, MODIFIER OF; USHER SYNDROME, TYPE IIA. Identifiers: Orphanet 231178, Orphanet 886, MedGen C1848634, MONDO:0010169, OMIM 276901.

Submission:

Myriad Genetics, Inc.
Classification: Likely pathogenic for Usher syndrome type 2A. Last evaluated: 2022-02-25. Review status: criteria provided, single submitter. Criteria: Myriad Women's Health Autosomal Recessive and X-Linked Classification Criteria (2021). Collection method: clinical testing. Allele origin: unknown.
Comment: NM_206933.2(USH2A):c.956delG(C319Sfs*17) is expected to be pathogenic in the context of USH2A-related disorders. This variant is predicted to lead to an abnormal or absent protein product due to the creation of a premature termination codon in USH2A, a gene where loss-of-function variants are known to be pathogenic. Please note: this variant was assessed in the context of healthy population screening.